The following is an entry in ClinVar:

ClinVar aggregate classification (germline): Benign/Likely benign. Review status: criteria provided, multiple submitters, no conflicts (2 of 4 stars). 4 submissions from 4 submitters: Benign (2); Likely benign (2). Last evaluated 2026-01-25.

Conditions:
Peroxisome biogenesis disorder 4A (Zellweger) (PBD4A). Also called: Zellweger syndrome spectrum (PEX6-related). Identifiers: Orphanet 912, MedGen C3553936, MONDO:0013930, OMIM 614862. Disease mechanism: loss of function.
Peroxisome biogenesis disorder. Identifiers: Orphanet 79189, MedGen C1832200, MONDO:0019234. Disease mechanism: loss of function.

Allele frequency attached by ClinVar (database versions not stated): gnomAD 0.00019 and 0.00027; gnomAD exomes 0.00023 and 0.00077; TOPMed 0.00043; ExAC 0.00068; 1000 Genomes Project 30x 0.00156; 1000 Genomes Project 0.00180.
gnomAD v4.1: 399 of 1,614,208 alleles (0.025%); highest among the groups gnomAD compares: East Asian, 0.81%; 2 homozygotes.

Submissions (4):

Labcorp Genetics (formerly Invitae), Labcorp
Classification: Benign for Peroxisome biogenesis disorder. Last evaluated: 2026-01-25. Review status: criteria provided, single submitter. Criteria: Invitae Variant Classification Sherloc (09022015). Collection method: clinical testing. Allele origin: germline.

Blueprint Genetics
Classification: Likely benign. Last evaluated: 2024-07-22. Review status: criteria provided, single submitter. Criteria: ACMG Guidelines, 2015. Collection method: clinical testing. Allele origin: germline.

Illumina Laboratory Services, Illumina
Classification: Likely benign for Peroxisome biogenesis disorder 4A (Zellweger). Last evaluated: 2018-01-13. Review status: criteria provided, single submitter. Criteria: ICSL Variant Classification Criteria 13 December 2019. Collection method: clinical testing. Allele origin: germline.
Comment: This variant was observed in the ICSL laboratory as part of a predisposition screen in an ostensibly healthy population. It had not been previously curated by ICSL or reported in the Human Gene Mutation Database (HGMD: prior to June 1st, 2018), and was therefore a candidate for classification through an automated scoring system. Utilizing variant allele frequency, disease prevalence and penetrance estimates, and inheritance mode, an automated score was calculated to assess if this variant is too frequent to cause the disease. Based on the score and internal cut-off values, a variant classified as likely benign is not then subjected to further curation. The score for this variant resulted in a classification of likely benign for this disease.

Eurofins Ntd Llc (ga)
Classification: Benign. Last evaluated: 2017-11-29. Review status: criteria provided, single submitter. Criteria: EGL Classification Definitions 2015. Collection method: clinical testing. Allele origin: germline. Observed: 1 variant allele, 1 heterozygote.

NM_000287.4(PEX6):c.2531T>C (p.Val844Ala)

Gene: PEX6 (peroxisomal biogenesis factor 6; minus strand). Cytogenetic location: 6p21.1.
Variant type: single nucleotide variant.
Coding change: c.2531T>C on transcript NM_000287.4 (MANE Select); coding-DNA position 2531, T replaced by C.
Protein change: p.Val844Ala; replaces valine 844 with alanine.
Molecular consequence: missense variant. On other transcripts: non-coding transcript variant (1).
Genome position (GRCh38, 1-based): chr6:42,965,309, A>G on the plus strand (T>C on the coding strand, the complement: PEX6 is on the minus strand). VCF-style: chr6-42965309-A-G. GRCh37 (hg19) VCF-style: chr6-42933047-A-G.
Other names: c.2267T>C, p.Val756Ala (NM_001316313.2); short protein forms V844A, V756A.
Identifiers: ClinVar variation 595189 (VCV000595189.20), dbSNP rs187435179, ClinGen allele CA3810996.